The following is an entry in ClinVar:

ClinVar aggregate classification (germline): Uncertain significance. Review status: criteria provided, multiple submitters, no conflicts (2 of 4 stars). 4 submissions from 4 submitters: Uncertain significance (4). Last evaluated 2025-04-07.

Conditions:
Hereditary cancer-predisposing syndrome. Also called: Hereditary neoplastic syndrome; Tumor predisposition; Hereditary Cancer Syndrome; Neoplastic Syndromes, Hereditary. Identifiers: Orphanet 140162, MedGen C0027672, MeSH D009386, MONDO:0015356.
Birt-Hogg-Dube syndrome. Also called: Birt Hogg Dubé syndrome. Identifiers: Orphanet 122, MedGen C0346010, MONDO:0800444.

Allele frequency attached by ClinVar (database versions not stated): gnomAD exomes below 0.00001; gnomAD 0.00001; TOPMed 0.00001.
gnomAD v4.1: 2 of 1,613,216 alleles (0.00012%); highest among the groups gnomAD compares: African/African-American, 0.0013%; no homozygotes.

Submissions (4):

Quest Diagnostics Nichols Institute San Juan Capistrano
Classification: Uncertain significance. Last evaluated: 2025-04-07. Review status: criteria provided, single submitter. Criteria: Quest Diagnostics criteria. Collection method: clinical testing. Allele origin: unknown.
Comment: The FLCN c.463A>T (p.Thr155Ser) variant has not been reported in individuals with FLCN-related conditions in the published literature. The frequency of this variant in the general population (Genome Aggregation Database) is uninformative in the assessment of its pathogenicity. Analysis of this variant using bioinformatics tools for the prediction of the effect of amino acid changes on protein structure and function yielded predictions that this variant is damaging. Based on the available information, we are unable to determine the clinical significance of this variant.

Ambry Genetics
Classification: Uncertain significance for Hereditary cancer-predisposing syndrome. Last evaluated: 2025-03-24. Review status: criteria provided, single submitter. Criteria: Ambry Variant Classification Scheme 2023. Collection method: clinical testing. Allele origin: germline.
Comment: The p.T155S variant (also known as c.463A>T), located in coding exon 3 of the FLCN gene, results from an A to T substitution at nucleotide position 463. The threonine at codon 155 is replaced by serine, an amino acid with similar properties. This amino acid position is highly conserved in available vertebrate species. In addition, the in silico prediction for this alteration is inconclusive. Based on the available evidence, the clinical significance of this variant remains unclear.

Labcorp Genetics (formerly Invitae), Labcorp
Classification: Uncertain significance for Birt-Hogg-Dube syndrome. Last evaluated: 2024-08-29. Review status: criteria provided, single submitter. Criteria: Invitae Variant Classification Sherloc (09022015). Collection method: clinical testing. Allele origin: germline.
Comment: This sequence change replaces threonine, which is neutral and polar, with serine, which is neutral and polar, at codon 155 of the FLCN protein (p.Thr155Ser). This variant is present in population databases (no rsID available, gnomAD 0.0009%). This variant has not been reported in the literature in individuals affected with FLCN-related conditions. ClinVar contains an entry for this variant (Variation ID: 579415). Invitae Evidence Modeling of protein sequence and biophysical properties (such as structural, functional, and spatial information, amino acid conservation, physicochemical variation, residue mobility, and thermodynamic stability) indicates that this missense variant is not expected to disrupt FLCN protein function with a negative predictive value of 80%. In summary, the available evidence is currently insufficient to determine the role of this variant in disease. Therefore, it has been classified as a Variant of Uncertain Significance.

GeneDx
Classification: Uncertain significance. Last evaluated: 2022-04-26. Review status: criteria provided, single submitter. Criteria: GeneDx Variant Classification Process June 2021. Collection method: clinical testing. Allele origin: germline. Affected: yes.
Comment: Not observed at significant frequency in large population cohorts (gnomAD); In silico analysis supports that this missense variant has a deleterious effect on protein structure/function; Has not been previously published as pathogenic or benign to our knowledge

NM_144997.7(FLCN):c.463A>T (p.Thr155Ser)

Gene: FLCN (folliculin; minus strand). Cytogenetic location: 17p11.2.
Variant type: single nucleotide variant.
Coding change: c.463A>T on transcript NM_144997.7 (MANE Select); coding-DNA position 463, A replaced by T.
Protein change: p.Thr155Ser; replaces threonine 155 with serine.
Molecular consequence: missense variant.
Genome position (GRCh38, 1-based): chr17:17,224,077, T>A on the plus strand (A>T on the coding strand, the complement: FLCN is on the minus strand). VCF-style: chr17-17224077-T-A. GRCh37 (hg19) VCF-style: chr17-17127391-T-A.
Other names: c.463A>T (LRG_325t1, NM_144997.6); c.517A>T, p.Thr173Ser (NM_001353229.2); c.463A>T, p.Thr155Ser (NM_001353230.2, NM_001353231.2, NM_144606.7); short protein forms T155S, T173S.
Identifiers: ClinVar variation 579415 (VCV000579415.9), dbSNP rs1253782475, ClinGen allele CA398534504.